The following is an entry in ClinVar:

ClinVar aggregate classification (germline): Benign. Review status: criteria provided, multiple submitters, no conflicts (2 of 4 stars). 6 submissions from 6 submitters: Benign (6). Last evaluated 2026-03-01.

Conditions:
Primary familial polycythemia due to EPO receptor mutation. Also called: POLYCYTHEMIA, PRIMARY FAMILIAL AND CONGENITAL; Primary Familial Congenital Polycythemia; Erythrocytosis, familial, 1; ERYTHROCYTOSIS, SOMATIC. Identifiers: Orphanet 90042, MedGen C4551637, MONDO:0007572, OMIM 133100.

Allele frequency attached by ClinVar (database versions not stated): 1000 Genomes Project 0.00419; 1000 Genomes Project 30x 0.00437; gnomAD 0.00438 and 0.00465; TOPMed 0.00454; ESP Exome Variant Server 0.00477; gnomAD exomes 0.00550 and 0.00718; ExAC 0.00557.
gnomAD v4.1: 11,075 of 1,602,988 alleles (0.69%); highest among the groups gnomAD compares: South Asian, 1.1%; 63 homozygotes.

Submissions (6):

CeGaT Center for Human Genetics Tuebingen
Classification: Benign. Last evaluated: 2026-03-01. Review status: criteria provided, single submitter. Criteria: CeGaT Center For Human Genetics Tuebingen Variant Classification Criteria Version 2. Collection method: clinical testing. Allele origin: germline. Affected: yes. Observed: 6 variant alleles.
Comment: EPOR: BP4, BS1, BS2

Labcorp Genetics (formerly Invitae), Labcorp
Classification: Benign. Last evaluated: 2026-02-04. Review status: criteria provided, single submitter. Criteria: Invitae Variant Classification Sherloc (09022015). Collection method: clinical testing. Allele origin: germline.

ARUP Laboratories, Molecular Genetics and Genomics, ARUP Laboratories
Classification: Benign for Primary familial polycythemia due to EPO receptor mutation. Last evaluated: 2025-07-14. Review status: criteria provided, single submitter. Criteria: ARUP Molecular Germline Variant Investigation Process 2024. Collection method: clinical testing. Allele origin: germline.

Mayo Clinic Laboratories, Mayo Clinic
Classification: Benign. Last evaluated: 2023-04-14. Review status: criteria provided, single submitter. Criteria: ACMG Guidelines, 2015. Collection method: clinical testing. Allele origin: germline. Observed: 2 variant alleles.
Comment: BS1, BS2, BP4_strong

Illumina Laboratory Services, Illumina
Classification: Benign for Primary familial polycythemia due to EPO receptor mutation. Last evaluated: 2018-01-13. Review status: criteria provided, single submitter. Criteria: ICSL Variant Classification Criteria 13 December 2019. Collection method: clinical testing. Allele origin: germline.
Comment: This variant was observed in the ICSL laboratory as part of a predisposition screen in an ostensibly healthy population. It had not been previously curated by ICSL or reported in the Human Gene Mutation Database (HGMD: prior to June 1st, 2018), and was therefore a candidate for classification through an automated scoring system. Utilizing variant allele frequency, disease prevalence and penetrance estimates, and inheritance mode, an automated score was calculated to assess if this variant is too frequent to cause the disease. Based on the score and internal cut-off values, a variant classified as benign is not then subjected to further curation. The score for this variant resulted in a classification of benign for this disease.

Breakthrough Genomics
Classification: Benign. Review status: criteria provided, single submitter. Criteria: ACMG Guidelines, 2015. Collection method: not provided. Allele origin: germline. Inheritance: Autosomal dominant inheritance. Affected: yes.

NM_000121.4(EPOR):c.137G>A (p.Gly46Glu)

Gene: EPOR (erythropoietin receptor; minus strand). Cytogenetic location: 19p13.2.
Variant type: single nucleotide variant.
Coding change: c.137G>A on transcript NM_000121.4 (MANE Select); coding-DNA position 137, G replaced by A.
Protein change: p.Gly46Glu; replaces glycine 46 with glutamic acid.
Molecular consequence: missense variant. On other transcripts: non-coding transcript variant (1).
Genome position (GRCh38, 1-based): chr19:11,383,211, C>T on the plus strand (G>A on the coding strand, the complement: EPOR is on the minus strand). VCF-style: chr19-11383211-C-T. GRCh37 (hg19) VCF-style: chr19-11493887-C-T.
Other names: p.Gly46Glu; short protein forms G46E.
Identifiers: ClinVar variation 328155 (VCV000328155.41), dbSNP rs45516306, ClinGen allele CA9210894.
Genomic context (GRCh38, chr19:11,383,211, plus strand): 5'-TCCTCCCAGAAACACACCAAGTCCTCCAACCGCTCGGTGAAGCACAGAAGCTCTTCGGGC[C>T]CCCGGGCCGCCAGCAAGGCCGCTGGGGAGGGGCGACAAAGGAAGGGCATGGGGGTCTGAG-3'
Protein context (NP_000112.1, residues 36-56): ESKAALLAAR[Gly46Glu]PEELLCFTER